The following is an entry in ClinVar:

NM_012469.4(PRPF6):c.1208C>T (p.Ser403Leu)

Gene: PRPF6 (pre-mRNA processing factor 6; plus strand). Cytogenetic location: 20q13.33.
Variant type: single nucleotide variant.
Coding change: c.1208C>T on transcript NM_012469.4 (MANE Select); coding-DNA position 1208, C replaced by T.
Protein change: p.Ser403Leu; replaces serine 403 with leucine.
Molecular consequence: missense variant.
Genome position (GRCh38, 1-based): chr20:64,010,221, C>T. VCF-style: chr20-64010221-C-T. GRCh37 (hg19) VCF-style: chr20-62641574-C-T.
Other names: c.1208C>T (NM_012469.3); short protein forms S403L.
Identifiers: ClinVar variation 1367700 (VCV001367700.9), dbSNP rs1394385875, ClinGen allele CA409724932.

ClinVar aggregate classification (germline): Uncertain significance. Review status: criteria provided, multiple submitters, no conflicts (2 of 4 stars). 2 submissions from 2 submitters: Uncertain significance (2). Last evaluated 2025-07-31.

Allele frequency attached by ClinVar (database versions not stated): gnomAD exomes below 0.00001; gnomAD 0.00001 and 0.00002; TOPMed 0.00001.
gnomAD v4.1: 7 of 1,614,022 alleles (0.00043%); highest among the groups gnomAD compares: African/African-American, 0.0013%; no homozygotes.

Submissions (2):

Ambry Genetics
Classification: Uncertain significance. Last evaluated: 2025-07-31. Review status: criteria provided, single submitter. Criteria: Ambry Variant Classification Scheme 2023. Collection method: clinical testing. Allele origin: germline.

Labcorp Genetics (formerly Invitae), Labcorp
Classification: Uncertain significance. Last evaluated: 2024-04-29. Review status: criteria provided, single submitter. Criteria: Invitae Variant Classification Sherloc (09022015). Collection method: clinical testing. Allele origin: germline.
Comment: This sequence change replaces serine, which is neutral and polar, with leucine, which is neutral and non-polar, at codon 403 of the PRPF6 protein (p.Ser403Leu). This variant is present in population databases (no rsID available, gnomAD no frequency). This variant has not been reported in the literature in individuals affected with PRPF6-related conditions. ClinVar contains an entry for this variant (Variation ID: 1367700). Advanced modeling of protein sequence and biophysical properties (such as structural, functional, and spatial information, amino acid conservation, physicochemical variation, residue mobility, and thermodynamic stability) performed at Invitae indicates that this missense variant is expected to disrupt PRPF6 protein function with a positive predictive value of 80%. In summary, the available evidence is currently insufficient to determine the role of this variant in disease. Therefore, it has been classified as a Variant of Uncertain Significance.